The following is an entry in ClinVar:

ClinVar aggregate classification (germline): Uncertain significance. Review status: criteria provided, multiple submitters, no conflicts (2 of 4 stars). 4 submissions from 4 submitters: Uncertain significance (4). Last evaluated 2025-10-26.

Allele frequency attached by ClinVar (database versions not stated): ExAC 0.00001; gnomAD exomes 0.00002 and 0.00007; gnomAD 0.00006 and 0.00007; TOPMed 0.00008.

Submissions (4):

Labcorp Genetics (formerly Invitae), Labcorp
Classification: Uncertain significance. Last evaluated: 2025-10-26. Review status: criteria provided, single submitter. Criteria: Invitae Variant Classification Sherloc (09022015). Collection method: clinical testing. Allele origin: germline.
Comment: This sequence change replaces phenylalanine, which is neutral and non-polar, with leucine, which is neutral and non-polar, at codon 178 of the RGR protein (p.Phe178Leu). This variant is present in population databases (rs201379107, gnomAD 0.005%). This variant has not been reported in the literature in individuals affected with RGR-related conditions. ClinVar contains an entry for this variant (Variation ID: 423397). An algorithm developed to predict the effect of missense changes on protein structure and function outputs the following: PolyPhen-2: "Not Available". The leucine amino acid residue is found in multiple mammalian species, which suggests that this missense change does not adversely affect protein function. In summary, the available evidence is currently insufficient to determine the role of this variant in disease. Therefore, it has been classified as a Variant of Uncertain Significance.

Blueprint Genetics
Classification: Uncertain significance. Last evaluated: 2023-10-23. Review status: criteria provided, single submitter. Criteria: ACMG Guidelines, 2015. Collection method: clinical testing. Allele origin: germline.

Ambry Genetics
Classification: Uncertain significance. Last evaluated: 2021-08-09. Review status: criteria provided, single submitter. Criteria: Ambry Variant Classification Scheme 2023. Collection method: clinical testing. Allele origin: germline.

GeneDx
Classification: Uncertain significance. Last evaluated: 2017-02-23. Review status: criteria provided, single submitter. Criteria: GeneDx Variant Classification (06012015). Collection method: clinical testing. Allele origin: germline. Affected: yes.
Comment: The F178L variant in the RGR gene has not been reported previously as a pathogenic variant, nor as a benign variant, to our knowledge. This variant is observed in 1/66,740 (0.001%) alleles from individuals of European background in the ExAC dataset and in 6/60,310 (0.01%) alleles from presumably healthy individuals undergoing testing at GeneDx (Lek et al., 2016). The F178L variant is a conservative amino acid substitution, which is not likely to impact secondary protein structure as these residues share similar properties. This substitution is located within a helical transmembrane domain and occurs at a position that is not conserved. In silico analysis predicts this variant likely does not alter the protein structure/function. We interpret F178L as a variant of uncertain significance.

NM_001012720.2(RGR):c.532T>C (p.Phe178Leu)

Gene: RGR (retinal G protein coupled receptor; plus strand). Cytogenetic location: 10q23.1.
Variant type: single nucleotide variant.
Coding change: c.532T>C on transcript NM_001012720.2 (MANE Select); coding-DNA position 532, T replaced by C.
Protein change: p.Phe178Leu; replaces phenylalanine 178 with leucine.
Molecular consequence: missense variant.
Genome position (GRCh38, 1-based): chr10:84,254,345, T>C. VCF-style: chr10-84254345-T-C. GRCh37 (hg19) VCF-style: chr10-86014101-T-C.
Other names: c.532T>C, p.Phe178Leu (NM_001012722.2); c.544T>C, p.Phe182Leu (NM_002921.4); short protein forms F178L, F182L.
Identifiers: ClinVar variation 423397 (VCV000423397.10), dbSNP rs201379107, ClinGen allele CA5581482.